The following is an entry in ClinVar:

NM_024408.4(NOTCH2):c.5683C>T (p.Arg1895Cys)

Gene: NOTCH2 (notch receptor 2; minus strand). Cytogenetic location: 1p12.
Variant type: single nucleotide variant.
Coding change: c.5683C>T on transcript NM_024408.4 (MANE Select); coding-DNA position 5683, C replaced by T.
Protein change: p.Arg1895Cys; replaces arginine 1895 with cysteine.
Molecular consequence: missense variant.
Genome position (GRCh38, 1-based): chr1:119,919,410, G>A on the plus strand (C>T on the coding strand, the complement: NOTCH2 is on the minus strand). VCF-style: chr1-119919410-G-A. GRCh37 (hg19) VCF-style: chr1-120462033-G-A.
Other names: short protein forms R1895C.
Identifiers: ClinVar variation 2047446 (VCV002047446.4), dbSNP rs753822819, ClinGen allele CA341884202.

ClinVar aggregate classification (germline): Uncertain significance (1 of 4 stars; one submission).

Conditions:
Hajdu-Cheney syndrome (HJCYS). Also called: SERPENTINE FIBULA-POLYCYSTIC KIDNEY SYNDROME; Acroosteolysis dominant type; ACROOSTEOLYSIS WITH OSTEOPOROSIS AND CHANGES IN SKULL AND MANDIBLE. Identifiers: Orphanet 955, MedGen C0917715, MONDO:0007057, OMIM 102500.

Allele frequency attached by ClinVar (database versions not stated): gnomAD 0.00001.
gnomAD v4.1: 3 of 1,613,686 alleles (0.00019%); highest among the groups gnomAD compares: African/African-American, 0.0013%; no homozygotes.

Submission:

Labcorp Genetics (formerly Invitae), Labcorp
Classification: Uncertain significance for Hajdu-Cheney syndrome. Last evaluated: 2022-10-24. Review status: criteria provided, single submitter. Criteria: Invitae Variant Classification Sherloc (09022015). Collection method: clinical testing. Allele origin: germline.
Comment: In summary, the available evidence is currently insufficient to determine the role of this variant in disease. Therefore, it has been classified as a Variant of Uncertain Significance. Advanced modeling of protein sequence and biophysical properties (such as structural, functional, and spatial information, amino acid conservation, physicochemical variation, residue mobility, and thermodynamic stability) performed at Invitae indicates that this missense variant is not expected to disrupt NOTCH2 protein function. This variant has not been reported in the literature in individuals affected with NOTCH2-related conditions. This variant is not present in population databases (gnomAD no frequency). This sequence change replaces arginine, which is basic and polar, with cysteine, which is neutral and slightly polar, at codon 1895 of the NOTCH2 protein (p.Arg1895Cys).